The following is an entry in ClinVar:

ClinVar aggregate classification (germline): Likely benign (1 of 4 stars; one submission).

gnomAD v4.1: 173 of 1,613,528 alleles (0.011%); highest among the groups gnomAD compares: Non-Finnish European, 0.014%; no homozygotes.

Submission:

CeGaT Center for Human Genetics Tuebingen
Classification: Likely benign. Last evaluated: 2026-03-01. Review status: criteria provided, single submitter. Criteria: CeGaT Center For Human Genetics Tuebingen Variant Classification Criteria Version 2. Collection method: clinical testing. Allele origin: germline. Affected: yes. Observed: 1 variant allele.
Comment: WASHC4: BP4, BP7

NM_015275.3(WASHC4):c.465T>C (p.Tyr155=)

Gene: WASHC4 (WASH complex subunit 4; plus strand). Cytogenetic location: 12q23.3.
Variant type: single nucleotide variant.
Coding change: c.465T>C on transcript NM_015275.3 (MANE Select); coding-DNA position 465, T replaced by C.
Protein change: p.Tyr155=; no amino-acid change (tyrosine 155 retained).
Molecular consequence: synonymous variant.
Genome position (GRCh38, 1-based): chr12:105,118,475, T>C. VCF-style: chr12-105118475-T-C. GRCh37 (hg19) VCF-style: chr12-105512253-T-C.
Other names: c.465T>C, p.Tyr155= (NM_001293640.2).
Identifiers: ClinVar variation 4821357 (VCV004821357.4).